The following is an entry in ClinVar:

ClinVar aggregate classification (germline): Likely pathogenic (1 of 4 stars; one submission).

Conditions:
X-linked Alport syndrome (ATS1). Also called: NEPHROPATHY AND DEAFNESS, X-LINKED; COL4A5-Related Nephropathy. Identifiers: Orphanet 63, Orphanet 88917, MedGen C4746986, MONDO:0010520, OMIM 301050.

Submission:

3billion
Classification: Likely pathogenic for X-linked Alport syndrome. Last evaluated: 2025-07-09. Review status: criteria provided, single submitter. Criteria: ACMG Guidelines, 2015. Collection method: clinical testing. Allele origin: germline. Affected: yes.
Comment: The variant is not observed in the gnomAD v4.1.0 dataset. Predicted Consequence/Location: Missense variant In silico tool predictions suggest damaging effect of the variant on gene or gene product [REVEL: 0.93 (>=0.6, sensitivity 0.68 and specificity 0.92); 3Cnet: 0.84 (> 0.75, sensitivity 0.96 and precision 0.92)]. The same nucleotide change resulting in the same amino acid change has been previously reported to be associated with COL4A5-related disorder (PMID: 33330536). Different missense changes at the same codon (p.Cys1527Ser, p.Cys1527Trp) have been reported as pathogenic/likely pathogenic with strong evidence (ClinVar ID: VCV001908893, VCV003068581 /PMID: 32203225). Therefore, this variant is classified as Likely pathogenic according to the recommendation of ACMG/AMP guideline.

Literature cited by the submitters: PubMed 33330536; PubMed 32203225.

NM_033380.3(COL4A5):c.4580G>A (p.Cys1527Tyr)

Gene: COL4A5 (collagen type IV alpha 5 chain; plus strand). Cytogenetic location: Xq22.3.
Variant type: single nucleotide variant.
Coding change: c.4580G>A on transcript NM_033380.3 (MANE Select); coding-DNA position 4580, G replaced by A.
Protein change: p.Cys1527Tyr; replaces cysteine 1527 with tyrosine.
Molecular consequence: missense variant.
Genome position (GRCh38, 1-based): chrX:108,692,799, G>A. VCF-style: chrX-108692799-G-A. GRCh37 (hg19) VCF-style: chrX-107936029-G-A.
Other names: c.4562G>A, p.Cys1521Tyr (NM_000495.5); short protein forms C1521Y, C1527Y.
Identifiers: ClinVar variation 4854402 (VCV004854402.1).
Genomic context (GRCh38, chrX:108,692,799, plus strand): 5'-TCTTTCTAGGGACGGCTGGCAGCTGCCTTCGTCGCTTTAGTACCATGCCTTTCATGTTCT[G>A]CAACATCAATAATGTTTGCAACTTTGCTTCAAGAAATGACTATTCTTACTGGCTCTCTAC-3'
Protein context (NP_203699.1, residues 1517-1537): RRFSTMPFMF[Cys1527Tyr]NINNVCNFAS